The following is an entry in ClinVar:

NM_001326411.2(PISD):c.1097G>C (p.Arg366Pro)

Gene: PISD (phosphatidylserine decarboxylase; minus strand). Cytogenetic location: 22q12.2.
Variant type: single nucleotide variant.
Coding change: c.1097G>C on transcript NM_001326411.2 (MANE Select); coding-DNA position 1097, G replaced by C.
Protein change: p.Arg366Pro; replaces arginine 366 with proline.
Molecular consequence: missense variant. On other transcripts: 3 prime UTR variant (1).
Genome position (GRCh38, 1-based): chr22:31,619,745, C>G on the plus strand (G>C on the coding strand, the complement: PISD is on the minus strand). VCF-style: chr22-31619745-C-G. GRCh37 (hg19) VCF-style: chr22-32015731-C-G.
Other names: c.1034G>C, p.Arg345Pro (NM_001326412.1, NM_001326413.2, NM_001326414.2); c.995G>C, p.Arg332Pro (NM_001326415.2, NM_001326416.2, NM_001326417.2 and 2 more transcripts); c.917G>C, p.Arg306Pro (NM_001326418.2); c.881G>C, p.Arg294Pro (NM_001326419.2); c.803G>C, p.Arg268Pro (NM_001326420.2); c.*45G>C (NM_001326421.1); c.995G>C (NM_014338.3); short protein forms R345P, R366P, R294P, R268P, R306P, R332P.
Identifiers: ClinVar variation 1427703 (VCV001427703.7), dbSNP rs567105342, ClinGen allele CA10194525.
Genomic context (GRCh38, chr22:31,619,745, plus strand): 5'-GCCTCGAAGATGAGCACGATGGTGGAGCCCAGGTTGAACTCGCCCAGGTGCTCGCCCTTA[C>G]GCATGGGGACGCCCTCTCTATTGGTGTGCGTCACGAAGCTGAAGTCATTGTAGGAGCCCT-3'
Protein context (NP_001313340.1, residues 356-376): THTNREGVPM[Arg366Pro]KGEHLGEFNL

ClinVar aggregate classification (germline): Uncertain significance. Review status: criteria provided, multiple submitters, no conflicts (2 of 4 stars). 2 submissions from 2 submitters: Uncertain significance (2). Last evaluated 2025-01-06.

Conditions:
Inborn genetic diseases. Identifiers: MedGen C0950123, MeSH D030342.

Allele frequency attached by ClinVar (database versions not stated): 1000 Genomes Project 30x 0.00016; 1000 Genomes Project 0.00020.
gnomAD v4.1: 14 of 1,614,184 alleles (0.00087%); highest among the groups gnomAD compares: Admixed American, 0.018%; no homozygotes.

Submissions (2):

Labcorp Genetics (formerly Invitae), Labcorp
Classification: Uncertain significance. Last evaluated: 2025-01-06. Review status: criteria provided, single submitter. Criteria: Invitae Variant Classification Sherloc (09022015). Collection method: clinical testing. Allele origin: germline.
Comment: This sequence change replaces arginine with proline at codon 366 of the PISD protein (p.Arg366Pro). The arginine residue is moderately conserved and there is a moderate physicochemical difference between arginine and proline. This variant is present in population databases (rs567105342, gnomAD 0.003%). This variant has not been reported in the literature in individuals affected with PISD-related conditions. ClinVar contains an entry for this variant (Variation ID: 1427703). Invitae Evidence Modeling of protein sequence and biophysical properties (such as structural, functional, and spatial information, amino acid conservation, physicochemical variation, residue mobility, and thermodynamic stability) indicates that this missense variant is not expected to disrupt PISD protein function with a negative predictive value of 80%. In summary, the available evidence is currently insufficient to determine the role of this variant in disease. Therefore, it has been classified as a Variant of Uncertain Significance.

Ambry Genetics
Classification: Uncertain significance for Inborn genetic diseases. Last evaluated: 2024-02-26. Review status: criteria provided, single submitter. Criteria: Ambry Variant Classification Scheme 2023. Collection method: clinical testing. Allele origin: germline.